The following is an entry in ClinVar:

NM_005045.4(RELN):c.5866A>T (p.Met1956Leu)

Gene: RELN (reelin; minus strand). Cytogenetic location: 7q22.1.
Variant type: single nucleotide variant.
Coding change: c.5866A>T on transcript NM_005045.4 (MANE Select); coding-DNA position 5866, A replaced by T.
Protein change: p.Met1956Leu; replaces methionine 1956 with leucine.
Molecular consequence: missense variant.
Genome position (GRCh38, 1-based): chr7:103,553,763, T>A on the plus strand (A>T on the coding strand, the complement: RELN is on the minus strand). VCF-style: chr7-103553763-T-A. GRCh37 (hg19) VCF-style: chr7-103194210-T-A.
Other names: c.5866A>T, p.Met1956Leu (NM_173054.3); short protein forms M1956L.
Identifiers: ClinVar variation 844582 (VCV000844582.9), dbSNP rs1410345577, ClinGen allele CA368739810.

ClinVar aggregate classification (germline): Uncertain significance (1 of 4 stars; one submission).

Conditions:
Norman-Roberts syndrome (LIS2). Also called: Lissencephaly 2 (Norman-Roberts type). Identifiers: Orphanet 89844, MedGen C0796089, MONDO:0009760, OMIM 257320.
Familial temporal lobe epilepsy 7. Identifiers: Orphanet 101046, MedGen C4225327, MONDO:0014639, OMIM 616436.

Submission:

Labcorp Genetics (formerly Invitae), Labcorp
Classification: Uncertain significance for Familial temporal lobe epilepsy 7; Norman-Roberts syndrome. Last evaluated: 2021-07-18. Review status: criteria provided, single submitter. Criteria: Invitae Variant Classification Sherloc (09022015). Collection method: clinical testing. Allele origin: germline.
Comment: Algorithms developed to predict the effect of missense changes on protein structure and function output the following: SIFT: "Tolerated"; PolyPhen-2: "Benign"; Align-GVGD: "Class C0". The leucine amino acid residue is found in multiple mammalian species, which suggests that this missense change does not adversely affect protein function. In summary, the available evidence is currently insufficient to determine the role of this variant in disease. Therefore, it has been classified as a Variant of Uncertain Significance. ClinVar contains an entry for this variant (Variation ID: 844582). This variant has not been reported in the literature in individuals affected with RELN-related conditions. This variant is not present in population databases (ExAC no frequency). This sequence change replaces methionine with leucine at codon 1956 of the RELN protein (p.Met1956Leu). The methionine residue is weakly conserved and there is a small physicochemical difference between methionine and leucine.